The following is an entry in ClinVar:

NM_001165963.4(SCN1A):c.4358A>G (p.Tyr1453Cys)

Genes: SCN1A (sodium voltage-gated channel alpha subunit 1; minus strand), LOC102724058 (uncharacterized LOC102724058; plus strand). Cytogenetic location: 2q24.3.
Variant type: single nucleotide variant.
Coding change: c.4358A>G on transcript NM_001165963.4 (MANE Select); coding-DNA position 4358, A replaced by G.
Protein change: p.Tyr1453Cys; replaces tyrosine 1453 with cysteine.
Molecular consequence: missense variant. On other transcripts: non-coding transcript variant (1).
Genome position (GRCh38, 1-based): chr2:165,998,156, T>C on the plus strand (A>G on the coding strand, the complement: SCN1A is on the minus strand). VCF-style: chr2-165998156-T-C. GRCh37 (hg19) VCF-style: chr2-166854666-T-C.
Other names: c.4274A>G, p.Tyr1425Cys (NM_001165964.3, NM_001353957.2, NM_001353958.2); c.4358A>G, p.Tyr1453Cys (NM_001202435.3, NM_001353948.2); c.4325A>G, p.Tyr1442Cys (NM_001353949.2, NM_001353950.2, NM_001353951.2 and 2 more transcripts); c.4322A>G, p.Tyr1441Cys (NM_001353954.2, NM_001353955.2); c.4271A>G, p.Tyr1424Cys (NM_001353960.2); c.1916A>G, p.Tyr639Cys (NM_001353961.2); short protein forms Y1425C, Y1424C, Y1441C, Y1442C, Y1453C, Y639C.
Identifiers: ClinVar variation 846248 (VCV000846248.10), dbSNP rs1690345764, ClinGen allele CA349049473.

ClinVar aggregate classification (germline): Pathogenic (1 of 4 stars; one submission).

Conditions:
Early-infantile DEE. Also called: Ohtahara syndrome; Early infantile epileptic encephalopathy with suppression bursts; Early infantile epileptic encephalopathy. Identifiers: Orphanet 1934, MedGen C0393706, MONDO:0800491.

Submission:

Labcorp Genetics (formerly Invitae), Labcorp
Classification: Pathogenic for Early-infantile DEE. Last evaluated: 2024-10-15. Review status: criteria provided, single submitter. Criteria: Invitae Variant Classification Sherloc (09022015). Collection method: clinical testing. Allele origin: germline.
Comment: This sequence change replaces tyrosine, which is neutral and polar, with cysteine, which is neutral and slightly polar, at codon 1453 of the SCN1A protein (p.Tyr1453Cys). This variant is not present in population databases (gnomAD no frequency). This missense change has been observed in individual(s) with clinical features of autosomal dominant SCN1A-related conditions (PMID: 23195492; internal data). It has also been observed to segregate with disease in related individuals. ClinVar contains an entry for this variant (Variation ID: 846248). Invitae Evidence Modeling of protein sequence and biophysical properties (such as structural, functional, and spatial information, amino acid conservation, physicochemical variation, residue mobility, and thermodynamic stability) indicates that this missense variant is expected to disrupt SCN1A protein function with a positive predictive value of 95%. For these reasons, this variant has been classified as Pathogenic.

Literature cited by the submitters: PubMed 23195492.